The following is an entry in ClinVar:

NM_030665.4(RAI1):c.2545G>A (p.Asp849Asn)

Gene: RAI1 (retinoic acid induced 1; plus strand). Cytogenetic location: 17p11.2.
Variant type: single nucleotide variant.
Coding change: c.2545G>A on transcript NM_030665.4 (MANE Select); coding-DNA position 2545, G replaced by A.
Protein change: p.Asp849Asn; replaces aspartic acid 849 with asparagine.
Molecular consequence: missense variant.
Genome position (GRCh38, 1-based): chr17:17,795,493, G>A. VCF-style: chr17-17795493-G-A. GRCh37 (hg19) VCF-style: chr17-17698807-G-A.
Other names: c.2545G>A (NM_030665.3); short protein forms D849N.
Identifiers: ClinVar variation 1400167 (VCV001400167.10), dbSNP rs866732668, ClinGen allele CA288369924.

ClinVar aggregate classification (germline): Likely benign. Review status: criteria provided, single submitter (1 of 4 stars). 2 submissions from 2 submitters: Likely benign (1). 1 of the submissions does not count toward it. Last evaluated 2026-01-11.

Conditions:
RAI1-related disorder. Also called: RAI1-related condition.

Allele frequency attached by ClinVar (database versions not stated): gnomAD exomes below 0.00001 and 0.00001; gnomAD 0.00002; TOPMed 0.00003.
gnomAD v4.1: 9 of 1,586,254 alleles (0.00057%); highest among the groups gnomAD compares: African/African-American, 0.0067%; no homozygotes.

Submissions (2):

Labcorp Genetics (formerly Invitae), Labcorp
Classification: Likely benign. Last evaluated: 2026-01-11. Review status: criteria provided, single submitter. Criteria: Invitae Variant Classification Sherloc (09022015). Collection method: clinical testing. Allele origin: germline.

PreventionGenetics, part of Exact Sciences
Classification: Uncertain significance for RAI1-related condition. Last evaluated: 2024-09-03. Review status: no assertion criteria provided. Collection method: clinical testing. Allele origin: germline. Not counted in ClinVar's aggregate classification.
Comment: The RAI1 c.2545G>A variant is predicted to result in the amino acid substitution p.Asp849Asn. To our knowledge, this variant has not been reported in the literature. This variant is reported in 0.0095% of alleles in individuals of African descent in gnomAD. At this time, the clinical significance of this variant is uncertain due to the absence of conclusive functional and genetic evidence.